The following is an entry in ClinVar:

ClinVar aggregate classification (germline): Likely benign (1 of 4 stars; one submission).

gnomAD v4.1: 88 of 1,613,054 alleles (0.0055%); highest among the groups gnomAD compares: African/African-American, 0.008%; no homozygotes.

Submission:

CeGaT Center for Human Genetics Tuebingen
Classification: Likely benign. Last evaluated: 2026-07-01. Review status: criteria provided, single submitter. Criteria: CeGaT Center For Human Genetics Tuebingen Variant Classification Criteria Version 2. Collection method: clinical testing. Allele origin: germline. Affected: yes. Observed: 1 variant allele.
Comment: HTT: BP4, BP7

NM_001388492.1(HTT):c.2109G>A (p.Pro703=)

Gene: HTT (huntingtin; plus strand). Cytogenetic location: 4p16.3.
Variant type: single nucleotide variant.
Coding change: c.2109G>A on transcript NM_001388492.1 (MANE Select); coding-DNA position 2109, G replaced by A.
Protein change: p.Pro703=; no amino-acid change (proline 703 retained).
Molecular consequence: synonymous variant.
Genome position (GRCh38, 1-based): chr4:3,131,648, G>A. VCF-style: chr4-3131648-G-A. GRCh37 (hg19) VCF-style: chr4-3133375-G-A.
Other names: c.2115G>A, p.Pro705= (NM_002111.8).
Identifiers: ClinVar variation 5039179 (VCV005039179.1).